The following is an entry in ClinVar:

NM_004380.3(CREBBP):c.6091C>T (p.Pro2031Ser)

Gene: CREBBP (CREB binding lysine acetyltransferase; minus strand). Cytogenetic location: 16p13.3.
Variant type: single nucleotide variant.
Coding change: c.6091C>T on transcript NM_004380.3 (MANE Select); coding-DNA position 6091, C replaced by T.
Protein change: p.Pro2031Ser; replaces proline 2031 with serine.
Molecular consequence: missense variant.
Genome position (GRCh38, 1-based): chr16:3,728,956, G>A on the plus strand (C>T on the coding strand, the complement: CREBBP is on the minus strand). VCF-style: chr16-3728956-G-A. GRCh37 (hg19) VCF-style: chr16-3778957-G-A.
Other names: c.5977C>T, p.Pro1993Ser (NM_001079846.1); short protein forms P1993S, P2031S.
Identifiers: ClinVar variation 4883168 (VCV004883168.2).

ClinVar aggregate classification (germline): Uncertain significance (1 of 4 stars; one submission).

gnomAD v4.1: 2 of 1,598,450 alleles (0.00013%); highest among the groups gnomAD compares: South Asian, 0.0011%; no homozygotes.

Submission:

Dasa
Classification: Uncertain significance. Last evaluated: 2026-04-22. Review status: criteria provided, single submitter. Criteria: DASA Assertion Criteria. Collection method: clinical testing. Allele origin: germline.
Comment: NM_004380.3(CREBBP):c.6091C>T (p.Pro2031Ser) is a missense variant that results in the substitution of proline with serine. This variant is rare in population databases. The currently available literature and clinical evidence are not sufficient to establish a definitive association between this variant and the reported condition. Therefore, this variant is classified as a variant of uncertain significance.